The following is an entry in ClinVar:

ClinVar aggregate classification (germline): Uncertain significance. Review status: criteria provided, multiple submitters, no conflicts (2 of 4 stars). 3 submissions from 3 submitters: Uncertain significance (3). Last evaluated 2025-10-29.

Conditions:
Hereditary cancer-predisposing syndrome. Also called: Hereditary neoplastic syndrome; Neoplastic Syndromes, Hereditary; Hereditary Cancer Syndrome; Tumor predisposition. Identifiers: Orphanet 140162, MedGen C0027672, MeSH D009386, MONDO:0015356.
Neuroblastoma, susceptibility to, 3. Also called: ALK-Related Neuroblastic Tumor Susceptibility. Identifiers: Orphanet 635, MedGen C2751681, MONDO:0013083, OMIM 613014.

Allele frequency attached by ClinVar (database versions not stated): gnomAD 0.00001; TOPMed 0.00003.

Submissions (3):

Labcorp Genetics (formerly Invitae), Labcorp
Classification: Uncertain significance for Neuroblastoma, susceptibility to, 3. Last evaluated: 2025-10-29. Review status: criteria provided, single submitter. Criteria: Invitae Variant Classification Sherloc (09022015). Collection method: clinical testing. Allele origin: germline.
Comment: This sequence change creates a premature translational stop signal (p.Asp602Metfs*63) in the ALK gene. It is expected to result in an absent or disrupted protein product. However, the current clinical and genetic evidence is not sufficient to establish whether loss-of-function variants in ALK cause disease. This variant is not present in population databases (gnomAD no frequency). This variant has not been reported in the literature in individuals affected with ALK-related conditions. ClinVar contains an entry for this variant (Variation ID: 1411899). Experimental studies and prediction algorithms are not available or were not evaluated, and the functional significance of this variant is currently unknown. In summary, the available evidence is currently insufficient to determine the role of this variant in disease. Therefore, it has been classified as a Variant of Uncertain Significance.

Ambry Genetics
Classification: Uncertain significance for Hereditary cancer-predisposing syndrome. Last evaluated: 2025-03-23. Review status: criteria provided, single submitter. Criteria: Ambry Variant Classification Scheme 2023. Collection method: clinical testing. Allele origin: germline.
Comment: The c.1803delC variant, located in coding exon 9 of the ALK gene, results from a deletion of one nucleotide at nucleotide position 1803, causing a translational frameshift with a predicted alternate stop codon (p.D602Mfs*63). This alteration is expected to result in protein truncation or nonsense-mediated mRNA decay. However, loss of function of ALK has not been established as a mechanism of disease. Based on the available evidence, the clinical significance of this alteration remains unclear.

GeneDx
Classification: Uncertain significance. Last evaluated: 2022-11-15. Review status: criteria provided, single submitter. Criteria: GeneDx Variant Classification Process June 2021. Collection method: clinical testing. Allele origin: germline. Affected: yes.
Comment: Not observed at significant frequency in large population cohorts (gnomAD); Frameshift variant predicted to result in protein truncation or nonsense mediated decay in a gene or region of a gene for which loss of function is not a well-established mechanism of disease; Has not been previously published as pathogenic or benign to our knowledge

NM_004304.5(ALK):c.1803del (p.Asp602fs)

Gene: ALK (ALK receptor tyrosine kinase; minus strand). Cytogenetic location: 2p23.2.
Variant type: Deletion.
Coding change: c.1803del on transcript NM_004304.5 (MANE Select); coding-DNA position 1803, one base deleted (C; older notation c.1803delC).
Protein change: p.Asp602fs; shifts the reading frame from aspartic acid 602.
Molecular consequence: frameshift variant.
Genome position (GRCh38, 1-based): chr2:29,296,902, G deleted on the plus strand (C on the coding strand, the reverse complement: ALK is on the minus strand). VCF-style (leftmost placement, unchanged base first): chr2-29296901-CG-C. GRCh37 (hg19) VCF-style: chr2-29519767-CG-C.
Other names: c.1803del (NM_004304.4); c.1803delC (NM_004304.4); short protein forms D602fs.
Identifiers: ClinVar variation 1411899 (VCV001411899.7), dbSNP rs926903893, ClinGen allele CA44642874.